The following is an entry in ClinVar:

NM_001282534.2(KCNK9):c.977A>G (p.Tyr326Cys)

Gene: KCNK9 (potassium two pore domain channel subfamily K member 9; minus strand). Cytogenetic location: 8q24.3.
Variant type: single nucleotide variant.
Coding change: c.977A>G on transcript NM_001282534.2 (MANE Select); coding-DNA position 977, A replaced by G.
Protein change: p.Tyr326Cys; replaces tyrosine 326 with cysteine.
Molecular consequence: missense variant. On other transcripts: non-coding transcript variant (1).
Genome position (GRCh38, 1-based): chr8:139,618,406, T>C on the plus strand (A>G on the coding strand, the complement: KCNK9 is on the minus strand). VCF-style: chr8-139618406-T-C. GRCh37 (hg19) VCF-style: chr8-140630649-T-C.
Other names: c.977A>G, p.Tyr326Cys (NM_016601.2); short protein forms Y326C.
Identifiers: ClinVar variation 2504730 (VCV002504730.1), dbSNP rs1004131782, ClinGen allele CA372733448.
Genomic context (GRCh38, chr8:139,618,406, plus strand): 5'-AGGCTGTTTTTTAATGTGCTTGGTGAGATCTCCTCGATCTTGTAAGAGATGGAGTGGAAG[T>C]AGTGGGGGGCAAGCTTGGCGCTGAAGGAGTTCTGCGGTGCCACCGAGCGGCCGCCATAGT-3'
Protein context (NP_001269463.1, residues 316-336): NSFSAKLAPH[Tyr326Cys]FHSISYKIEE

ClinVar aggregate classification (germline): Uncertain significance (1 of 4 stars; one submission).

Allele frequency attached by ClinVar (database versions not stated): gnomAD exomes below 0.00001.
gnomAD v4.1: 2 of 1,613,968 alleles (0.00012%); highest among the groups gnomAD compares: South Asian, 0.0011%; no homozygotes.

Submission:

GeneDx
Classification: Uncertain significance. Last evaluated: 2022-12-12. Review status: criteria provided, single submitter. Criteria: GeneDx Variant Classification Process June 2021. Collection method: clinical testing. Allele origin: germline. Affected: yes.
Comment: Not observed at significant frequency in large population cohorts (gnomAD); In silico analysis supports that this missense variant has a deleterious effect on protein structure/function; Has not been previously published as pathogenic or benign to our knowledge